The following is an entry in ClinVar:

NM_020911.2(PLXNA4):c.2743G>A (p.Val915Met)

Gene: PLXNA4 (plexin A4; minus strand). Cytogenetic location: 7q32.3.
Variant type: single nucleotide variant.
Coding change: c.2743G>A on transcript NM_020911.2 (MANE Select); coding-DNA position 2743, G replaced by A.
Protein change: p.Val915Met; replaces valine 915 with methionine.
Molecular consequence: missense variant.
Genome position (GRCh38, 1-based): chr7:132,194,175, C>T on the plus strand (G>A on the coding strand, the complement: PLXNA4 is on the minus strand). VCF-style: chr7-132194175-C-T. GRCh37 (hg19) VCF-style: chr7-131878934-C-T.
Other names: c.2743G>A, p.Val915Met (NM_001393897.1); short protein forms V915M.
Identifiers: ClinVar variation 2634437 (VCV002634437.2), dbSNP rs755552115, ClinGen allele CA4489699.

ClinVar aggregate classification (germline): Uncertain significance (1 of 4 stars; one submission).

Conditions:
PLXNA4-related disorder. Also called: PLXNA4-related condition.

gnomAD v4.1: 88 of 1,613,006 alleles (0.0055%); highest among the groups gnomAD compares: Middle Eastern, 0.033%; no homozygotes.

Submission:

PreventionGenetics, part of Exact Sciences
Classification: Uncertain significance for PLXNA4-related condition. Last evaluated: 2026-07-29. Review status: criteria provided, single submitter. Criteria: ACMG Guidelines, 2015. Collection method: clinical testing. Allele origin: germline.
Comment: The PLXNA4 c.2743G>A variant is predicted to result in the amino acid substitution p.Val915Met. To our knowledge, this variant has not been reported in the literature. This variant is reported in 0.0071% of alleles in individuals of European (non-Finnish) descent in gnomAD. At this time, the clinical significance of this variant is uncertain due to the absence of conclusive functional and genetic evidence.